The following is an entry in ClinVar:

NM_000719.7(CACNA1C):c.4208C>T (p.Pro1403Leu)

Gene: CACNA1C (calcium voltage-gated channel subunit alpha1 C; plus strand). Cytogenetic location: 12p13.33.
Variant type: single nucleotide variant.
Coding change: c.4208C>T on transcript NM_000719.7 (MANE Select); coding-DNA position 4208, C replaced by T.
Protein change: p.Pro1403Leu; replaces proline 1403 with leucine.
Molecular consequence: missense variant.
Genome position (GRCh38, 1-based): chr12:2,655,214, C>T. VCF-style: chr12-2655214-C-T. GRCh37 (hg19) VCF-style: chr12-2764380-C-T.
Other names: c.4208C>T, p.Pro1403Leu (NM_001167623.2, NM_001167624.3, NM_001129830.3 and 7 more transcripts); c.4175C>T, p.Pro1392Leu (NM_001167625.2, NM_001129837.2, NM_001129838.2 and 1 more transcripts); c.4352C>T, p.Pro1451Leu (NM_199460.4, NM_001129827.2); c.4274C>T, p.Pro1425Leu (NM_001129829.2); c.4292C>T, p.Pro1431Leu (NM_001129831.2); c.4268C>T, p.Pro1423Leu (NM_001129832.2); c.4259C>T, p.Pro1420Leu (NM_001129836.2); c.4169C>T, p.Pro1390Leu (NM_001129839.2); and 1 more; short protein forms P1390L, P1392L, P1400L, P1403L, P1420L, P1423L, P1425L, P1431L.
Identifiers: ClinVar variation 4882864 (VCV004882864.2).

ClinVar aggregate classification (germline): Uncertain significance (1 of 4 stars; one submission).

Submission:

Dasa
Classification: Uncertain significance. Last evaluated: 2025-12-02. Review status: criteria provided, single submitter. Criteria: DASA Assertion Criteria. Collection method: clinical testing. Allele origin: germline.
Comment: NM_000719.7(CACNA1C):c.4208C>T (p.Pro1403Leu) is a missense variant that results in the substitution of proline with leucine. This variant is absent from population databases. Computational prediction algorithms are consistent with a deleterious effect. The currently available literature and clinical evidence are not sufficient to establish a definitive association between this variant and the reported condition. Therefore, this variant is classified as a variant of uncertain significance.